The following is an entry in ClinVar:

ClinVar aggregate classification (germline): Benign/Likely benign. Review status: criteria provided, multiple submitters, no conflicts (2 of 4 stars). 4 submissions from 4 submitters: Benign (2); Likely benign (2). Last evaluated 2026-02-02.

Conditions:
Severe combined immunodeficiency due to DNA-PKcs deficiency. Also called: IMMUNODEFICIENCY 26 WITH NEUROLOGIC ABNORMALITIES; Immunodeficiency 26 with or without neurologic abnormalities. Identifiers: Orphanet 317425, MedGen C4014833, MONDO:0014423, OMIM 615966.

Allele frequency attached by ClinVar (database versions not stated): gnomAD exomes 0.00139; ExAC 0.00169; gnomAD 0.00481 and 0.00521; TOPMed 0.00542; 1000 Genomes Project 0.00599; ESP Exome Variant Server 0.00618; 1000 Genomes Project 30x 0.00671.
gnomAD v4.1: 1,464 of 1,485,702 alleles (0.099%); highest among the groups gnomAD compares: African/African-American, 1.8%; 12 homozygotes.

Submissions (4):

Labcorp Genetics (formerly Invitae), Labcorp
Classification: Benign for Severe combined immunodeficiency due to DNA-PKcs deficiency. Last evaluated: 2026-02-02. Review status: criteria provided, single submitter. Criteria: Invitae Variant Classification Sherloc (09022015). Collection method: clinical testing. Allele origin: germline.

Women's Health and Genetics/Laboratory Corporation of America, LabCorp
Classification: Benign. Last evaluated: 2026-01-23. Review status: criteria provided, single submitter. Criteria: LabCorp Variant Classification Summary - May 2015. Collection method: clinical testing. Allele origin: germline.

Blueprint Genetics
Classification: Likely benign. Last evaluated: 2024-10-02. Review status: criteria provided, single submitter. Criteria: ACMG Guidelines, 2015. Collection method: clinical testing. Allele origin: germline.

GeneDx
Classification: Likely benign. Last evaluated: 2017-01-24. Review status: criteria provided, single submitter. Criteria: GeneDx Variant Classification (06012015). Collection method: clinical testing. Allele origin: germline. Affected: yes.
Comment: This variant is considered likely benign or benign based on one or more of the following criteria: it is a conservative change, it occurs at a poorly conserved position in the protein, it is predicted to be benign by multiple in silico algorithms, and/or has population frequency not consistent with disease.

NM_006904.7(PRKDC):c.3042+18C>A

Gene: PRKDC (protein kinase, DNA-activated, catalytic subunit; minus strand). Cytogenetic location: 8q11.21.
Variant type: single nucleotide variant.
Coding change: c.3042+18C>A on transcript NM_006904.7 (MANE Select); 18 bases into the intron after coding-DNA position 3042, C replaced by A.
Molecular consequence: intron variant.
Genome position (GRCh38, 1-based): chr8:47,904,851, G>T on the plus strand (C>A on the coding strand, the complement: PRKDC is on the minus strand). VCF-style: chr8-47904851-G-T. GRCh37 (hg19) VCF-style: chr8-48817411-G-T.
Other names: c.3042+18C>A (NM_001081640.2).
Identifiers: ClinVar variation 506973 (VCV000506973.12), dbSNP rs56169650, ClinGen allele CA4741297.